The following is an entry in ClinVar:

NM_001734.5(C1S):c.1457A>T (p.Tyr486Phe)

Gene: C1S (complement C1s; plus strand). Cytogenetic location: 12p13.31.
Variant type: single nucleotide variant.
Coding change: c.1457A>T on transcript NM_001734.5 (MANE Select); coding-DNA position 1457, A replaced by T.
Protein change: p.Tyr486Phe; replaces tyrosine 486 with phenylalanine.
Molecular consequence: missense variant.
Genome position (GRCh38, 1-based): chr12:7,070,041, A>T. VCF-style: chr12-7070041-A-T. GRCh37 (hg19) VCF-style: chr12-7177345-A-T.
Other names: c.956A>T, p.Tyr319Phe (NM_001346850.2); c.1457A>T, p.Tyr486Phe (NM_201442.4); short protein forms Y319F, Y486F.
Identifiers: ClinVar variation 2700166 (VCV002700166.3), dbSNP rs1937801930, ClinGen allele CA383704476.

ClinVar aggregate classification (germline): Uncertain significance (1 of 4 stars; one submission).

Allele frequency attached by ClinVar (database versions not stated): TOPMed below 0.00001.

Submission:

Labcorp Genetics (formerly Invitae), Labcorp
Classification: Uncertain significance. Last evaluated: 2023-12-01. Review status: criteria provided, single submitter. Criteria: Invitae Variant Classification Sherloc (09022015). Collection method: clinical testing. Allele origin: germline.
Comment: This sequence change replaces tyrosine, which is neutral and polar, with phenylalanine, which is neutral and non-polar, at codon 486 of the C1S protein (p.Tyr486Phe). This variant is not present in population databases (gnomAD no frequency). This variant has not been reported in the literature in individuals affected with C1S-related conditions. Advanced modeling of protein sequence and biophysical properties (such as structural, functional, and spatial information, amino acid conservation, physicochemical variation, residue mobility, and thermodynamic stability) performed at Invitae indicates that this missense variant is not expected to disrupt C1S protein function with a negative predictive value of 80%. In summary, the available evidence is currently insufficient to determine the role of this variant in disease. Therefore, it has been classified as a Variant of Uncertain Significance.